The following is an entry in ClinVar:

NM_001365999.1(SZT2):c.2964_2966dup (p.Glu988_Ile989insMet)

Gene: SZT2 (SZT2 subunit of KICSTOR complex; plus strand). Cytogenetic location: 1p34.2.
Variant type: Duplication.
Coding change: c.2964_2966dup on transcript NM_001365999.1 (MANE Select); coding-DNA positions 2964 to 2966, 3 bases duplicated (GAT; older notation c.2964_2966dupGAT).
Protein change: p.Glu988_Ile989insMet.
Molecular consequence: inframe insertion.
Genome position (GRCh38, 1-based): chr1:43,426,072-43,426,074, GAT duplicated. VCF-style (leftmost placement, unchanged base first): chr1-43426071-A-AGAT. GRCh37 (hg19) VCF-style: chr1-43891742-A-AGAT.
Other names: c.2964_2966dup, p.Glu988_Ile989insMet (NM_015284.4).
Identifiers: ClinVar variation 1496104 (VCV001496104.3), dbSNP rs2153933165, ClinGen allele CA2573132464.

ClinVar aggregate classification (germline): Uncertain significance (1 of 4 stars; one submission).

Submission:

Labcorp Genetics (formerly Invitae), Labcorp
Classification: Uncertain significance. Last evaluated: 2022-10-13. Review status: criteria provided, single submitter. Criteria: Invitae Variant Classification Sherloc (09022015). Collection method: clinical testing. Allele origin: germline.
Comment: This variant, c.2964_2966dup, results in the insertion of 1 amino acid(s) of the SZT2 protein (p.Glu988_Ile989insMet), but otherwise preserves the integrity of the reading frame. This variant is not present in population databases (gnomAD no frequency). This variant has not been reported in the literature in individuals affected with SZT2-related conditions. ClinVar contains an entry for this variant (Variation ID: 1496104). Experimental studies and prediction algorithms are not available or were not evaluated, and the functional significance of this variant is currently unknown. In summary, the available evidence is currently insufficient to determine the role of this variant in disease. Therefore, it has been classified as a Variant of Uncertain Significance.